The following is an entry in ClinVar:

ClinVar aggregate classification (germline): Uncertain significance (1 of 4 stars; one submission).

Conditions:
RASopathy. Also called: rasopathies; Noonan spectrum disorder. Identifiers: Orphanet 536391, MedGen C5555857, MONDO:0021060.

Allele frequency attached by ClinVar (database versions not stated): gnomAD 0.00001; gnomAD exomes 0.00001.
gnomAD v4.1: 4 of 1,614,054 alleles (0.00025%); highest among the groups gnomAD compares: South Asian, 0.0044%; no homozygotes.

Submission:

Labcorp Genetics (formerly Invitae), Labcorp
Classification: Uncertain significance for RASopathy. Last evaluated: 2023-08-04. Review status: criteria provided, single submitter. Criteria: Invitae Variant Classification Sherloc (09022015). Collection method: clinical testing. Allele origin: germline.
Comment: This sequence change replaces alanine, which is neutral and non-polar, with serine, which is neutral and polar, at codon 783 of the CBL protein (p.Ala783Ser). This variant is not present in population databases (gnomAD no frequency). This variant has not been reported in the literature in individuals affected with CBL-related conditions. ClinVar contains an entry for this variant (Variation ID: 2161040). Advanced modeling of protein sequence and biophysical properties (such as structural, functional, and spatial information, amino acid conservation, physicochemical variation, residue mobility, and thermodynamic stability) performed at Invitae indicates that this missense variant is not expected to disrupt CBL protein function. In summary, the available evidence is currently insufficient to determine the role of this variant in disease. Therefore, it has been classified as a Variant of Uncertain Significance.

NM_005188.4(CBL):c.2347G>T (p.Ala783Ser)

Gene: CBL (Cbl proto-oncogene; plus strand). Cytogenetic location: 11q23.3.
Variant type: single nucleotide variant.
Coding change: c.2347G>T on transcript NM_005188.4 (MANE Select); coding-DNA position 2347, G replaced by T.
Protein change: p.Ala783Ser; replaces alanine 783 with serine.
Molecular consequence: missense variant.
Genome position (GRCh38, 1-based): chr11:119,298,453, G>T. VCF-style: chr11-119298453-G-T. GRCh37 (hg19) VCF-style: chr11-119169163-G-T.
Other names: short protein forms A783S.
Identifiers: ClinVar variation 2161040 (VCV002161040.4), dbSNP rs1950078376, ClinGen allele CA382929572.